The following is an entry in ClinVar:

ClinVar aggregate classification (germline): Pathogenic (1 of 4 stars; one submission).

Conditions:
ALG1-congenital disorder of glycosylation. Also called: CONGENITAL DISORDER OF GLYCOSYLATION, TYPE Ik; CDG Ik; ALG1-CDG. Identifiers: Orphanet 79327, MedGen C2931005, MONDO:0012052, OMIM 608540.

Submission:

Labcorp Genetics (formerly Invitae), Labcorp
Classification: Pathogenic for ALG1-congenital disorder of glycosylation. Last evaluated: 2025-04-17. Review status: criteria provided, single submitter. Criteria: Invitae Variant Classification Sherloc (09022015). Collection method: clinical testing. Allele origin: germline.
Comment: This sequence change creates a premature translational stop signal (p.Asp155Glyfs*36) in the ALG1 gene. It is expected to result in an absent or disrupted protein product. Loss-of-function variants in ALG1 are known to be pathogenic (PMID: 20679665, 23806237). This variant is not present in population databases (gnomAD no frequency). This variant has not been reported in the literature in individuals affected with ALG1-related conditions. Algorithms developed to predict the effect of sequence changes on RNA splicing suggest that this variant may disrupt the consensus splice site. For these reasons, this variant has been classified as Pathogenic.

Literature cited by the submitters: PubMed 20679665; PubMed 23806237.

NM_019109.5(ALG1):c.464_467del (p.Asp155fs)

Gene: ALG1 (ALG1 chitobiosyldiphosphodolichol beta-mannosyltransferase; plus strand). Cytogenetic location: 16p13.3.
Variant type: Deletion.
Coding change: c.464_467del on transcript NM_019109.5 (MANE Select); coding-DNA positions 464 to 467, 4 bases deleted (ACTG; older notation c.464_467delACTG).
Protein change: p.Asp155fs; shifts the reading frame from aspartic acid 155.
Molecular consequence: frameshift variant.
Genome position (GRCh38, 1-based): chr16:5,075,461-5,075,464, ACTG deleted; deleting any 4 consecutive bases within chr16:5,075,459-5,075,464 gives the same sequence; the c. name uses the placement nearest the transcript's 3' end. VCF-style (leftmost placement, unchanged base first): chr16-5075458-TTGAC-T. GRCh37 (hg19) VCF-style: chr16-5125459-TTGAC-T.
Other names: c.131_134del, p.Asp44fs (NM_001330504.2); c.464_467del, p.Asp155fs (NM_001438123.1); short protein forms D155fs, D44fs.
Identifiers: ClinVar variation 4803446 (VCV004803446.1).